The following is an entry in ClinVar:

NM_001378183.1(PIEZO2):c.2568-3C>T

Gene: PIEZO2 (piezo type mechanosensitive ion channel component 2; minus strand). Cytogenetic location: 18p11.22.
Variant type: single nucleotide variant.
Coding change: c.2568-3C>T on transcript NM_001378183.1 (MANE Select); 3 bases into the intron before coding-DNA position 2568, C replaced by T.
Molecular consequence: intron variant.
Genome position (GRCh38, 1-based): chr18:10,773,632, G>A on the plus strand (C>T on the coding strand, the complement: PIEZO2 is on the minus strand). VCF-style: chr18-10773632-G-A. GRCh37 (hg19) VCF-style: chr18-10773630-G-A.
Other names: c.2493-3C>T (NM_022068.4); c.2568-3C>T (NM_001410871.1).
Identifiers: ClinVar variation 2663122 (VCV002663122.1), dbSNP rs895647630, ClinGen allele CA295993785.

ClinVar aggregate classification (germline): Uncertain significance (1 of 4 stars; one submission).

Allele frequency attached by ClinVar (database versions not stated): TOPMed below 0.00001.

Submission:

GeneDx
Classification: Uncertain significance. Last evaluated: 2023-05-09. Review status: criteria provided, single submitter. Criteria: GeneDx Variant Classification Process June 2021. Collection method: clinical testing. Allele origin: germline. Affected: yes.
Comment: Not observed at significant frequency in large population cohorts (gnomAD); In silico analysis suggests this variant may impact gene splicing. In the absence of RNA/functional studies, the actual effect of this sequence change is unknown.; Has not been previously published as pathogenic or benign to our knowledge